The following is an entry in ClinVar:

NM_006231.4(POLE):c.1400dup (p.Tyr467Ter)

Gene: POLE (DNA polymerase epsilon, catalytic subunit; minus strand). Cytogenetic location: 12q24.33.
Variant type: Duplication.
Coding change: c.1400dup on transcript NM_006231.4 (MANE Select); coding-DNA position 1400, one base duplicated (A; older notation c.1400dupA).
Protein change: p.Tyr467Ter; replaces tyrosine 467 with a stop codon.
Molecular consequence: nonsense.
Genome position (GRCh38, 1-based): chr12:132,673,237, T duplicated on the plus strand (A on the coding strand, the reverse complement: POLE is on the minus strand). VCF-style (leftmost placement, unchanged base first): chr12-132673236-G-GT. GRCh37 (hg19) VCF-style: chr12-133249822-G-GT.
Other names: short protein forms Y467*.
Identifiers: ClinVar variation 2123127 (VCV002123127.4), dbSNP rs2542141009, ClinGen allele CA2580086045.

ClinVar aggregate classification (germline): Pathogenic (1 of 4 stars; one submission).

Submission:

Labcorp Genetics (formerly Invitae), Labcorp
Classification: Pathogenic. Last evaluated: 2022-05-12. Review status: criteria provided, single submitter. Criteria: Invitae Variant Classification Sherloc (09022015). Collection method: clinical testing. Allele origin: germline.
Comment: For these reasons, this variant has been classified as Pathogenic. This variant has not been reported in the literature in individuals affected with POLE-related conditions. This variant is not present in population databases (gnomAD no frequency). This sequence change creates a premature translational stop signal (p.Tyr467*) in the POLE gene. It is expected to result in an absent or disrupted protein product. Loss-of-function variants in POLE are known to be pathogenic (PMID: 23230001, 25948378, 30503519).

Literature cited by the submitters: PubMed 23230001; PubMed 25948378; PubMed 30503519.